The following is an entry in ClinVar:

NC_000016.10:g.(?_2496129)_(2500978_?)del

Gene: TBC1D24 (TBC1 domain family member 24; plus strand). Cytogenetic location: 16p13.3.
Variant type: Deletion.
Identifiers: ClinVar variation 474299 (VCV000474299.2).

ClinVar aggregate classification (germline): Pathogenic (1 of 4 stars; one submission).

Conditions:
Developmental and epileptic encephalopathy, 1 (DEE1). Also called: X-linked infantile spasms; West's syndrome; Tonic spasms with clustering, arrest of psychomotor development and hypsarrhythmia on EEG; X-Linked Infantile Spasm Syndrome; OHTAHARA SYNDROME, X-LINKED; Epileptic encephalopathy, early infantile, 1. Identifiers: MedGen C3463992, MONDO:0010632, OMIM 308350. Disease mechanism: loss of function.
Caused by mutation in the TBC1 domain family, member 24.
Autosomal dominant nonsyndromic hearing loss 65. Also called: Deafness, autosomal dominant 65; TBC1D24-Related Autosomal Dominant Nonsyndromic Hearing Loss (DFNA). Identifiers: Orphanet 90635, MedGen C3892048, MONDO:0014470, OMIM 616044.

Submission:

Labcorp Genetics (formerly Invitae), Labcorp
Classification: Pathogenic for Caused by mutation in the TBC1 domain family, member 24; Epileptic encephalopathy, early infantile, 1; Autosomal dominant nonsyndromic hearing loss 65. Last evaluated: 2019-09-30. Review status: criteria provided, single submitter. Criteria: Invitae Variant Classification Sherloc (09022015). Collection method: clinical testing. Allele origin: germline.
Comment: A gross deletion of the genomic region encompassing the full coding sequence of the TBC1D24 gene has been identified. The boundaries of this event are unknown as the deletion extends beyond the assayed region for this gene and therefore may encompass additional genes. Loss-of-function variants in TBC1D24 are known to be pathogenic. A genomic deletion including entire TBC1D24 gene plus additional genes has been reported in the literature in an individual with epilepsy and intellectual disability (PMID: 23184456). For these reasons, this variant has been classified as Pathogenic.

Literature cited by the submitters: PubMed 23184456.